The following is an entry in ClinVar:

ClinVar aggregate classification (germline): Uncertain significance (1 of 4 stars; one submission).

Conditions:
Cardiovascular phenotype. Identifiers: MedGen CN230736.
Hereditary cancer-predisposing syndrome. Also called: Neoplastic Syndromes, Hereditary; Tumor predisposition; Hereditary neoplastic syndrome; Hereditary Cancer Syndrome. Identifiers: Orphanet 140162, MedGen C0027672, MeSH D009386, MONDO:0015356.

gnomAD v4.1: 1 of 1,614,210 alleles (0.000062%); highest among the groups gnomAD compares: Non-Finnish European, 0.000085%; no homozygotes.

Submission:

Ambry Genetics
Classification: Uncertain significance for Cardiovascular phenotype; Hereditary cancer-predisposing syndrome. Last evaluated: 2026-07-13. Review status: criteria provided, single submitter. Criteria: Ambry Variant Classification Scheme 2023. Collection method: clinical testing. Allele origin: germline.
Comment: The p.N1631D variant (also known as c.4891A>G), located in coding exon 36 of the NF1 gene, results from an A to G substitution at nucleotide position 4891. The asparagine at codon 1631 is replaced by aspartic acid, an amino acid with highly similar properties. This amino acid position is conserved. In addition, the in silico prediction for this alteration is inconclusive. Based on the available evidence, the clinical significance of this variant remains unclear.

NM_001042492.3(NF1):c.4954A>G (p.Asn1652Asp)

Gene: NF1 (neurofibromin 1; plus strand). Cytogenetic location: 17q11.2.
Variant type: single nucleotide variant.
Coding change: c.4954A>G on transcript NM_001042492.3 (MANE Select); coding-DNA position 4954, A replaced by G.
Protein change: p.Asn1652Asp; replaces asparagine 1652 with aspartic acid.
Molecular consequence: missense variant.
Genome position (GRCh38, 1-based): chr17:31,325,938, A>G. VCF-style: chr17-31325938-A-G. GRCh37 (hg19) VCF-style: chr17-29652956-A-G.
Other names: c.4891A>G, p.Asn1631Asp (NM_000267.4); short protein forms N1631D, N1652D.
Identifiers: ClinVar variation 5025564 (VCV005025564.1).